The following is an entry in ClinVar:

NM_022124.6(CDH23):c.4730G>C (p.Arg1577Pro)

Gene: CDH23 (cadherin related 23; plus strand). Cytogenetic location: 10q22.1.
Variant type: single nucleotide variant.
Coding change: c.4730G>C on transcript NM_022124.6 (MANE Select); coding-DNA position 4730, G replaced by C.
Protein change: p.Arg1577Pro; replaces arginine 1577 with proline.
Molecular consequence: missense variant.
Genome position (GRCh38, 1-based): chr10:71,741,806, G>C. VCF-style: chr10-71741806-G-C. GRCh37 (hg19) VCF-style: chr10-73501563-G-C.
Other names: short protein forms R1577P.
Identifiers: ClinVar variation 1502044 (VCV001502044.6), dbSNP rs771464282, ClinGen allele CA377130117.

ClinVar aggregate classification (germline): Uncertain significance. Review status: criteria provided, multiple submitters, no conflicts (2 of 4 stars). 2 submissions from 2 submitters: Uncertain significance (2). Last evaluated 2022-07-25.

Submissions (2):

Labcorp Genetics (formerly Invitae), Labcorp
Classification: Uncertain significance. Last evaluated: 2022-07-25. Review status: criteria provided, single submitter. Criteria: Invitae Variant Classification Sherloc (09022015). Collection method: clinical testing. Allele origin: germline.
Comment: This sequence change replaces arginine, which is basic and polar, with proline, which is neutral and non-polar, at codon 1577 of the CDH23 protein (p.Arg1577Pro). This variant is not present in population databases (gnomAD no frequency). This variant has not been reported in the literature in individuals affected with CDH23-related conditions. ClinVar contains an entry for this variant (Variation ID: 1502044). Algorithms developed to predict the effect of missense changes on protein structure and function are either unavailable or do not agree on the potential impact of this missense change (SIFT: "Deleterious"; PolyPhen-2: "Not Available"; Align-GVGD: "Class C65"). In summary, the available evidence is currently insufficient to determine the role of this variant in disease. Therefore, it has been classified as a Variant of Uncertain Significance.

Blueprint Genetics
Classification: Uncertain significance. Last evaluated: 2022-04-12. Review status: criteria provided, single submitter. Criteria: ACMG Guidelines, 2015. Collection method: clinical testing. Allele origin: germline.